The following is an entry in ClinVar:

ClinVar aggregate classification (germline): Likely benign. Review status: criteria provided, single submitter (1 of 4 stars). 2 submissions from 1 submitter: Likely benign (2). Last evaluated 2018-01-13.

Conditions:
Susceptibility to mononeuropathy of the median nerve, mild. Also called: CARPAL TUNNEL SYNDROME, SUSCEPTIBILITY TO. Identifiers: MedGen C3150596, MONDO:0013237, OMIM 613353.
Charcot-Marie-Tooth disease type 4C (CMT4C). Also called: CHARCOT-MARIE-TOOTH DISEASE, DEMYELINATING, AUTOSOMAL RECESSIVE, TYPE 4C; CMT 4C; Charcot-Marie-Tooth Neuropathy Type 4C (CMT4C); CHARCOT-MARIE-TOOTH DISEASE, DEMYELINATING, TYPE 4C; SH3TC2-Related Hereditary Motor and Sensory Neuropathy. Identifiers: Orphanet 99949, MedGen C1866636, MONDO:0011113, OMIM 601596.

Allele frequency attached by ClinVar (database versions not stated): 1000 Genomes Project 30x 0.00593; 1000 Genomes Project 0.00639; gnomAD 0.00727 and 0.00770; TOPMed 0.00761.
gnomAD v4.1: 1,110 of 151,452 alleles (0.73%); highest among the groups gnomAD compares: Middle Eastern, 1.7%; 2 homozygotes.

Submissions (2):

Illumina Laboratory Services, Illumina
Classification: Likely benign for Susceptibility to mononeuropathy of the median nerve, mild. Last evaluated: 2018-01-13. Review status: criteria provided, single submitter. Criteria: ICSL Variant Classification Criteria 13 December 2019. Collection method: clinical testing. Allele origin: germline.
Comment: This variant was observed in the ICSL laboratory as part of a predisposition screen in an ostensibly healthy population. It had not been previously curated by ICSL or reported in the Human Gene Mutation Database (HGMD: prior to June 1st, 2018), and was therefore a candidate for classification through an automated scoring system. Utilizing variant allele frequency, disease prevalence and penetrance estimates, and inheritance mode, an automated score was calculated to assess if this variant is too frequent to cause the disease. Based on the score and internal cut-off values, a variant classified as likely benign is not then subjected to further curation. The score for this variant resulted in a classification of likely benign for this disease.

Illumina Laboratory Services, Illumina
Classification: Likely benign for Charcot-Marie-Tooth disease type 4C. Last evaluated: 2018-01-13. Review status: criteria provided, single submitter. Criteria: ICSL Variant Classification Criteria 13 December 2019. Collection method: clinical testing. Allele origin: germline.
Comment: the same text as in the submission from Illumina Laboratory Services, Illumina above.

NM_024577.4(SH3TC2):c.*16947C>T

Gene: SH3TC2 (SH3 domain and tetratricopeptide repeats 2; minus strand). Cytogenetic location: 5q32.
Variant type: single nucleotide variant.
Coding change: c.*16947C>T on transcript NM_024577.4 (MANE Select); 16947 bases downstream of the stop codon, C replaced by T.
Molecular consequence: 3 prime UTR variant.
Genome position (GRCh38, 1-based): chr5:148,987,764, G>A on the plus strand (C>T on the coding strand, the complement: SH3TC2 is on the minus strand). VCF-style: chr5-148987764-G-A. GRCh37 (hg19) VCF-style: chr5-148367327-G-A.
Identifiers: ClinVar variation 351623 (VCV000351623.5), dbSNP rs142551288, ClinGen allele CA10619430.
Genomic context (GRCh38, chr5:148,987,764, plus strand): 5'-ATCAGATTAAGACTGAGAAGAACAAAGCTGTGGTCACTCTCCCACCACTTAACAAGCATG[G>A]GAAGCTCACCAAGTCATGTCCTCACTCGAGGCCTCATTCAAAATCTGTGTGTGTGTGTGT-3'